The following is an entry in ClinVar:

NM_000081.4(LYST):c.5810C>A (p.Ala1937Glu)

Gene: LYST (lysosomal trafficking regulator; minus strand). Cytogenetic location: 1q42.3.
Variant type: single nucleotide variant.
Coding change: c.5810C>A on transcript NM_000081.4 (MANE Select); coding-DNA position 5810, C replaced by A.
Protein change: p.Ala1937Glu; replaces alanine 1937 with glutamic acid.
Molecular consequence: missense variant.
Genome position (GRCh38, 1-based): chr1:235,770,272, G>T on the plus strand (C>A on the coding strand, the complement: LYST is on the minus strand). VCF-style: chr1-235770272-G-T. GRCh37 (hg19) VCF-style: chr1-235933572-G-T.
Other names: c.5810C>A, p.Ala1937Glu (NM_001301365.1); short protein forms A1937E.
Identifiers: ClinVar variation 958924 (VCV000958924.7), dbSNP rs2527925661, ClinGen allele CA344950065.

ClinVar aggregate classification (germline): Uncertain significance (1 of 4 stars; one submission).

Conditions:
Chédiak-Higashi syndrome (CHS). Also called: Chediak-Higashi Syndrome. Identifiers: Orphanet 167, MedGen C0007965, MONDO:0008963, OMIM 214500.

Allele frequency attached by ClinVar (database versions not stated): gnomAD exomes below 0.00001.

Submission:

Labcorp Genetics (formerly Invitae), Labcorp
Classification: Uncertain significance for Chédiak-Higashi syndrome. Last evaluated: 2022-03-19. Review status: criteria provided, single submitter. Criteria: Invitae Variant Classification Sherloc (09022015). Collection method: clinical testing. Allele origin: germline.
Comment: This sequence change replaces alanine, which is neutral and non-polar, with glutamic acid, which is acidic and polar, at codon 1937 of the LYST protein (p.Ala1937Glu). This variant is not present in population databases (gnomAD no frequency). This variant has not been reported in the literature in individuals affected with LYST-related conditions. ClinVar contains an entry for this variant (Variation ID: 958924). Algorithms developed to predict the effect of missense changes on protein structure and function (SIFT, PolyPhen-2, Align-GVGD) all suggest that this variant is likely to be tolerated. In summary, the available evidence is currently insufficient to determine the role of this variant in disease. Therefore, it has been classified as a Variant of Uncertain Significance.